The following is an entry in ClinVar:

NM_004380.3(CREBBP):c.7123C>T (p.His2375Tyr)

Gene: CREBBP (CREB binding lysine acetyltransferase; minus strand). Cytogenetic location: 16p13.3.
Variant type: single nucleotide variant.
Coding change: c.7123C>T on transcript NM_004380.3 (MANE Select); coding-DNA position 7123, C replaced by T.
Protein change: p.His2375Tyr; replaces histidine 2375 with tyrosine.
Molecular consequence: missense variant.
Genome position (GRCh38, 1-based): chr16:3,727,924, G>A on the plus strand (C>T on the coding strand, the complement: CREBBP is on the minus strand). VCF-style: chr16-3727924-G-A. GRCh37 (hg19) VCF-style: chr16-3777925-G-A.
Other names: c.7009C>T, p.His2337Tyr (NM_001079846.1); short protein forms H2375Y, H2337Y.
Identifiers: ClinVar variation 2916643 (VCV002916643.3), dbSNP rs2548341988, ClinGen allele CA394550487.

ClinVar aggregate classification (germline): Uncertain significance (1 of 4 stars; one submission).

Conditions:
Rubinstein-Taybi syndrome (RSTS). Identifiers: Orphanet 783, MedGen C0035934, MONDO:0019188.

Allele frequency attached by ClinVar (database versions not stated): gnomAD exomes below 0.00001.
gnomAD v4.1: 1 of 1,610,568 alleles (0.000062%); highest among the groups gnomAD compares: Non-Finnish European, 0.000085%; no homozygotes.

Submission:

Labcorp Genetics (formerly Invitae), Labcorp
Classification: Uncertain significance for Rubinstein-Taybi syndrome. Last evaluated: 2022-12-29. Review status: criteria provided, single submitter. Criteria: Invitae Variant Classification Sherloc (09022015). Collection method: clinical testing. Allele origin: germline.
Comment: In summary, the available evidence is currently insufficient to determine the role of this variant in disease. Therefore, it has been classified as a Variant of Uncertain Significance. Advanced modeling of protein sequence and biophysical properties (such as structural, functional, and spatial information, amino acid conservation, physicochemical variation, residue mobility, and thermodynamic stability) has been performed at Invitae for this missense variant, however the output from this modeling did not meet the statistical confidence thresholds required to predict the impact of this variant on CREBBP protein function. This variant has not been reported in the literature in individuals affected with CREBBP-related conditions. This variant is not present in population databases (gnomAD no frequency). This sequence change replaces histidine, which is basic and polar, with tyrosine, which is neutral and polar, at codon 2375 of the CREBBP protein (p.His2375Tyr).